The following is an entry in ClinVar:

NM_004187.5(KDM5C):c.1853G>T (p.Cys618Phe)

Gene: KDM5C (lysine demethylase 5C; minus strand). Cytogenetic location: Xp11.22.
Variant type: single nucleotide variant.
Coding change: c.1853G>T on transcript NM_004187.5 (MANE Select); coding-DNA position 1853, G replaced by T.
Protein change: p.Cys618Phe; replaces cysteine 618 with phenylalanine.
Molecular consequence: missense variant. On other transcripts: non-coding transcript variant (3).
Genome position (GRCh38, 1-based): chrX:53,201,867, C>A on the plus strand (G>T on the coding strand, the complement: KDM5C is on the minus strand). VCF-style: chrX-53201867-C-A. GRCh37 (hg19) VCF-style: chrX-53231049-C-A.
Other names: c.1652G>T, p.Cys551Phe (NM_001146702.2); c.1850G>T, p.Cys617Phe (NM_001282622.3, NM_001353979.2, NM_001353982.2); c.1853G>T, p.Cys618Phe (NM_001353978.3, NM_001353981.2, NM_001353984.2); short protein forms C617F, C551F, C618F.
Identifiers: ClinVar variation 4622814 (VCV004622814.1).

ClinVar aggregate classification (germline): Uncertain significance (1 of 4 stars; one submission).

Conditions:
Inborn genetic diseases. Identifiers: MedGen C0950123, MeSH D030342.

Submission:

Ambry Genetics
Classification: Uncertain significance for Inborn genetic diseases. Last evaluated: 2025-10-31. Review status: criteria provided, single submitter. Criteria: Ambry Variant Classification Scheme 2023. Collection method: clinical testing. Allele origin: germline.
Comment: The c.1853G>T (p.C618F) alteration is located in exon 13 (coding exon 13) of the KDM5C gene. This alteration results from a G to T substitution at nucleotide position 1853, causing the cysteine (C) at amino acid position 618 to be replaced by a phenylalanine (F). This variant was not reported in population-based cohorts in the Genome Aggregation Database (gnomAD). This amino acid position is highly conserved in available vertebrate species. This alteration is predicted to be deleterious by in silico analysis. Based on insufficient or conflicting evidence, the clinical significance of this alteration remains unclear.